The following is an entry in ClinVar:

ClinVar aggregate classification (germline): Uncertain significance (1 of 4 stars; one submission).

Submission:

Labcorp Genetics (formerly Invitae), Labcorp
Classification: Uncertain significance. Last evaluated: 2022-04-24. Review status: criteria provided, single submitter. Criteria: Invitae Variant Classification Sherloc (09022015). Collection method: clinical testing. Allele origin: germline.
Comment: In summary, the available evidence is currently insufficient to determine the role of this variant in disease. Therefore, it has been classified as a Variant of Uncertain Significance. Algorithms developed to predict the effect of missense changes on protein structure and function are either unavailable or do not agree on the potential impact of this missense change (SIFT: "Deleterious"; PolyPhen-2: "Probably Damaging"; Align-GVGD: "Class C0"). This variant has not been reported in the literature in individuals affected with GFM2-related conditions. This variant is not present in population databases (gnomAD no frequency). This sequence change replaces proline, which is neutral and non-polar, with alanine, which is neutral and non-polar, at codon 517 of the GFM2 protein (p.Pro517Ala).

NM_032380.5(GFM2):c.1549C>G (p.Pro517Ala)

Gene: GFM2 (GTP dependent ribosome recycling factor mitochondrial 2; minus strand). Cytogenetic location: 5q13.3.
Variant type: single nucleotide variant.
Coding change: c.1549C>G on transcript NM_032380.5 (MANE Select); coding-DNA position 1549, C replaced by G.
Protein change: p.Pro517Ala; replaces proline 517 with alanine.
Molecular consequence: missense variant. On other transcripts: non-coding transcript variant (1).
Genome position (GRCh38, 1-based): chr5:74,733,060, G>C on the plus strand (C>G on the coding strand, the complement: GFM2 is on the minus strand). VCF-style: chr5-74733060-G-C. GRCh37 (hg19) VCF-style: chr5-74028885-G-C.
Other names: c.1645C>G, p.Pro549Ala (NM_001281302.2); c.1408C>G, p.Pro470Ala (NM_170691.3); short protein forms P470A, P517A, P549A.
Identifiers: ClinVar variation 2127203 (VCV002127203.4), dbSNP rs2478848241, ClinGen allele CA360078957.
Genomic context (GRCh38, chr5:74,733,060, plus strand): 5'-AGTTTAGCAATAATATACCTACTTGTCCAGAGTCAGGATCTAGCCTCACTTTCAAACTGG[G>C]ATCTTCACGCTGAAGACATTTCAACGCATGTTCCAAATCTATGGGATAAACAACTGTTAT-3'
Protein context (NP_115756.2, residues 507-527): HALKCLQRED[Pro517Ala]SLKVRLDPDS